The following is an entry in ClinVar:

NM_033629.6(TREX1):c.-26-95G>T

Genes: TREX1 (three prime repair exonuclease 1; plus strand), ATRIP (ATR interacting protein; plus strand), ATRIP-TREX1 (ATRIP-TREX1 readthrough; plus strand). Cytogenetic location: 3p21.31.
Variant type: single nucleotide variant.
Coding change: c.-26-95G>T on transcript NM_033629.6 (MANE Select); 95 bases into the intron before 26 bases upstream of the start codon, G replaced by T.
Molecular consequence: intron variant. On other transcripts: 3 prime UTR variant (4).
Genome position (GRCh38, 1-based): chr3:48,466,535, G>T. VCF-style: chr3-48466535-G-T. GRCh37 (hg19) VCF-style: chr3-48507934-G-T.
Other names: NM_016381.5:c.45G>T; c.*981G>T (NM_001271022.2, NM_001271023.2, NM_032166.4 and 1 more transcripts); c.-18-133G>T (NM_007248.5).
Identifiers: ClinVar variation 3036003 (VCV003036003.4), dbSNP rs144461944, ClinGen allele CA2376511.

ClinVar aggregate classification (germline): Likely benign. Review status: criteria provided, multiple submitters, no conflicts (2 of 4 stars). 3 submissions from 3 submitters: Likely benign (2). 1 of the submissions does not count toward it. Last evaluated 2025-11-14.

Conditions:
TREX1-related disorder. Also called: TREX1-related condition; TREX1-related disorders. Identifiers: MedGen CN239414.

Allele frequency attached by ClinVar (database versions not stated): TOPMed 0.00012; gnomAD 0.00019; gnomAD exomes 0.00038; ExAC 0.00045; 1000 Genomes Project 30x 0.00062; 1000 Genomes Project 0.00080.
gnomAD v4.1: 574 of 1,613,950 alleles (0.036%); highest among the groups gnomAD compares: East Asian, 1%; 3 homozygotes.

Submissions (3):

Women's Health and Genetics/Laboratory Corporation of America, LabCorp
Classification: Likely benign. Last evaluated: 2025-11-14. Review status: criteria provided, single submitter. Criteria: LabCorp Variant Classification Summary - May 2015. Collection method: clinical testing. Allele origin: germline.
Comment: Variant summary: TREX1 c.-26-95G>T is located in the untranslated mRNA region upstream of the initiation codon. Consensus agreement among computation tools predict no significant impact on normal splicing. However, these predictions have yet to be confirmed by functional studies. The variant allele was found at a frequency of 0.00036 in 1613950 control chromosomes, predominantly at a frequency of 0.01 within the East Asian subpopulation in the gnomAD database, including 3 homozygotes, and in Japanese-specific control populations the frequency is approximately 0.014, with a total of 21 homozygotes reported (ToMMo 61KJPN, HGVD-Kyoto). This frequency exceeds the estimated maximal expected allele frequency for disease-causing variants in TREX1. This report does not provide unequivocal conclusions about association of the variant with disease. To our knowledge, no experimental evidence demonstrating an impact on protein function has been reported. The following publication has been ascertained in the context of this evaluation (PMID: 35551623). ClinVar contains an entry for this variant (Variation ID: 3036003). Based on the evidence outlined above, the variant was classified as likely benign.

Blueprint Genetics
Classification: Likely benign. Last evaluated: 2024-10-08. Review status: criteria provided, single submitter. Criteria: ACMG Guidelines, 2015. Collection method: clinical testing. Allele origin: germline.

PreventionGenetics, part of Exact Sciences
Classification: Likely benign for TREX1-related condition. Last evaluated: 2024-08-27. Review status: no assertion criteria provided. Collection method: clinical testing. Allele origin: germline. Not counted in ClinVar's aggregate classification.
Comment: This variant is classified as likely benign based on ACMG/AMP sequence variant interpretation guidelines (Richards et al. 2015 PMID: 25741868, with internal and published modifications).

Literature cited by the submitters: PubMed 35551623 (cited by Women's Health and Genetics/Laboratory Corporation of America, LabCorp).